The following is an entry in ClinVar:

ClinVar aggregate classification (germline): Benign. Review status: criteria provided, multiple submitters, no conflicts (2 of 4 stars). 6 submissions from 6 submitters: Benign (5). 1 of the submissions does not count toward it. Last evaluated 2026-02-01.

Conditions:
Joubert syndrome 17 (JBTS17). Identifiers: Orphanet 475, MedGen C3553264, MONDO:0013824, OMIM 614615.

Allele frequency attached by ClinVar (database versions not stated): gnomAD 0.02721 and 0.02942; 1000 Genomes Project 0.02875; TOPMed 0.02980; 1000 Genomes Project 30x 0.03170; ESP Exome Variant Server 0.03206.
gnomAD v4.1: 8,044 of 1,613,574 alleles (0.5%); highest among the groups gnomAD compares: African/African-American, 9.5%; 374 homozygotes.

Submissions (6):

Labcorp Genetics (formerly Invitae), Labcorp
Classification: Benign. Last evaluated: 2026-02-01. Review status: criteria provided, single submitter. Criteria: Invitae Variant Classification Sherloc (09022015). Collection method: clinical testing. Allele origin: germline.

Illumina Laboratory Services, Illumina
Classification: Benign for Joubert syndrome 17. Last evaluated: 2018-01-13. Review status: criteria provided, single submitter. Criteria: ICSL Variant Classification Criteria 13 December 2019. Collection method: clinical testing. Allele origin: germline.
Comment: This variant was observed in the ICSL laboratory as part of a predisposition screen in an ostensibly healthy population. It had not been previously curated by ICSL or reported in the Human Gene Mutation Database (HGMD: prior to June 1st, 2018), and was therefore a candidate for classification through an automated scoring system. Utilizing variant allele frequency, disease prevalence and penetrance estimates, and inheritance mode, an automated score was calculated to assess if this variant is too frequent to cause the disease. Based on the score and internal cut-off values, a variant classified as benign is not then subjected to further curation. The score for this variant resulted in a classification of benign for this disease.

GeneDx
Classification: Benign. Last evaluated: 2016-10-19. Review status: criteria provided, single submitter. Criteria: GeneDx Variant Classification (06012015). Collection method: clinical testing. Allele origin: germline. Affected: yes.
Comment: This variant is considered likely benign or benign based on one or more of the following criteria: it is a conservative change, it occurs at a poorly conserved position in the protein, it is predicted to be benign by multiple in silico algorithms, and/or has population frequency not consistent with disease.

Breakthrough Genomics
Classification: Benign. Review status: criteria provided, single submitter. Criteria: ACMG Guidelines, 2015. Collection method: not provided. Allele origin: germline. Inheritance: Autosomal recessive inheritance. Affected: yes.

PreventionGenetics, part of Exact Sciences
Classification: Benign. Review status: criteria provided, single submitter. Criteria: ACMG Guidelines, 2015. Collection method: clinical testing. Allele origin: germline.

Genetic Services Laboratory, University of Chicago
Classification: Likely benign. Review status: no assertion criteria provided. Collection method: clinical testing. Allele origin: germline. Inheritance: Autosomal recessive inheritance. Not counted in ClinVar's aggregate classification.
Comment: Likely benign based on allele frequency in 1000 Genomes Project or ESP global frequency and its presence in a patient with a rare or unrelated disease phenotype. NOT Sanger confirmed

NM_001384732.1(CPLANE1):c.5343A>T (p.Thr1781=)

Gene: CPLANE1 (ciliogenesis and planar polarity effector complex subunit 1; minus strand). Cytogenetic location: 5p13.2.
Variant type: single nucleotide variant.
Coding change: c.5343A>T on transcript NM_001384732.1 (MANE Select); coding-DNA position 5343, A replaced by T.
Protein change: p.Thr1781=; no amino-acid change (threonine 1781 retained).
Molecular consequence: synonymous variant.
Genome position (GRCh38, 1-based): chr5:37,182,838, T>A on the plus strand (A>T on the coding strand, the complement: CPLANE1 is on the minus strand). VCF-style: chr5-37182838-T-A. GRCh37 (hg19) VCF-style: chr5-37182940-T-A.
Other names: c.5343A>T, p.Thr1781= (NM_023073.4).
Identifiers: ClinVar variation 158039 (VCV000158039.21), dbSNP rs73750949, ClinGen allele CA171443.
Genomic context (GRCh38, chr5:37,182,838, plus strand): 5'-TGCCTTATATGTAGCAAAATAGGGTTGTTCCAAAAGCCATAATGATGTAAGAATGGCAGC[T>A]GTAGAGGTCTTTACACGAATTACTGGACTGTACTCAGAGGATGACTCAGTTATACCAGAA-3'
Protein context (NP_001371661.1, residues 1771-1791): YSPVIRVKTS[Thr1781=]AAILTSLWLL